The following is an entry in ClinVar:

NM_206933.4(USH2A):c.11939C>G (p.Ser3980Ter)

Gene: USH2A (usherin; minus strand). Cytogenetic location: 1q41.
Variant type: single nucleotide variant.
Coding change: c.11939C>G on transcript NM_206933.4 (MANE Select); coding-DNA position 11939, C replaced by G.
Protein change: p.Ser3980Ter; replaces serine 3980 with a stop codon.
Molecular consequence: nonsense.
Genome position (GRCh38, 1-based): chr1:215,728,157, G>C on the plus strand (C>G on the coding strand, the complement: USH2A is on the minus strand). VCF-style: chr1-215728157-G-C. GRCh37 (hg19) VCF-style: chr1-215901499-G-C.
Other names: short protein forms S3980*.
Identifiers: ClinVar variation 4817080 (VCV004817080.1).

ClinVar aggregate classification (germline): Likely pathogenic (1 of 4 stars; one submission).

Conditions:
Usher syndrome type 2A. Also called: RETINAL DISEASE IN USHER SYNDROME TYPE IIA, MODIFIER OF; USHER SYNDROME, TYPE IIA. Identifiers: Orphanet 231178, Orphanet 886, MedGen C1848634, MONDO:0010169, OMIM 276901.

gnomAD v4.1: 3 of 1,614,190 alleles (0.00019%); no homozygotes.

Submission:

Natera, Inc.
Classification: Likely pathogenic for Usher syndrome type 2A. Last evaluated: 2025-10-09. Review status: criteria provided, single submitter. Criteria: Natera Variant Classification Schema (03/2026). Collection method: clinical testing. Allele origin: germline.
Comment: The c.11939C>G variant in USH2A is a nonsense variant predicted to introduce a stop codon at amino acid 3980. This variant is expected to result in nonsense mediated decay, truncation, or a dysfunctional protein product. This variant is rare in the general population with a frequency below the threshold expected for the associated phenotype(s). Given the available evidence, this variant is classified as Likely Pathogenic.